The following is an entry in ClinVar:

ClinVar aggregate classification (germline): Uncertain significance. Review status: criteria provided, single submitter (1 of 4 stars). 2 submissions from 2 submitters: Uncertain significance (1). 1 of the submissions does not count toward it. Last evaluated 2023-11-03.

Conditions:
Tuberous sclerosis 2 (TSC2). Identifiers: Orphanet 805, MedGen C1860707, MONDO:0013199, OMIM 613254.
Seizure. Also called: Seizures. Identifiers: MedGen C0036572, HP:0001250.

Submissions (2):

Labcorp Genetics (formerly Invitae), Labcorp
Classification: Uncertain significance for Tuberous sclerosis 2. Last evaluated: 2023-11-03. Review status: criteria provided, single submitter. Criteria: Invitae Variant Classification Sherloc (09022015). Collection method: clinical testing. Allele origin: germline.
Comment: This sequence change replaces asparagine, which is neutral and polar, with lysine, which is basic and polar, at codon 229 of the TSC2 protein (p.Asn229Lys). This variant is not present in population databases (gnomAD no frequency). This variant has not been reported in the literature in individuals affected with TSC2-related conditions. ClinVar contains an entry for this variant (Variation ID: 560665). Advanced modeling of protein sequence and biophysical properties (such as structural, functional, and spatial information, amino acid conservation, physicochemical variation, residue mobility, and thermodynamic stability) performed at Invitae indicates that this missense variant is not expected to disrupt TSC2 protein function with a negative predictive value of 95%. In summary, the available evidence is currently insufficient to determine the role of this variant in disease. Therefore, it has been classified as a Variant of Uncertain Significance.

Clinical Molecular Genetics Laboratory, Johns Hopkins All Children's Hospital
Classification: Uncertain significance for seizures. Last evaluated: 2016-10-07. Review status: no assertion criteria provided. Collection method: clinical testing. Allele origin: germline. Affected: yes. Not counted in ClinVar's aggregate classification.

NM_000548.5(TSC2):c.687C>G (p.Asn229Lys)

Gene: TSC2 (TSC complex subunit 2; plus strand). Cytogenetic location: 16p13.3.
Variant type: single nucleotide variant.
Coding change: c.687C>G on transcript NM_000548.5 (MANE Select); coding-DNA position 687, C replaced by G.
Protein change: p.Asn229Lys; replaces asparagine 229 with lysine.
Molecular consequence: missense variant.
Genome position (GRCh38, 1-based): chr16:2,056,682, C>G. VCF-style: chr16-2056682-C-G. GRCh37 (hg19) VCF-style: chr16-2106683-C-G.
Other names: c.687C>G, p.Asn229Lys (NM_001077183.3, NM_001114382.3, NM_001363528.2 and 3 more transcripts); c.576C>G, p.Asn192Lys (NM_001318827.2); c.540C>G, p.Asn180Lys (NM_001318829.2); c.87C>G, p.Asn29Lys (NM_001318831.2); c.720C>G, p.Asn240Lys (NM_001318832.2); short protein forms N229K, N240K, N180K, N192K, N29K.
Identifiers: ClinVar variation 560665 (VCV000560665.8), dbSNP rs1555498802, ClinGen allele CA394312564.